The following is an entry in ClinVar:

ClinVar aggregate classification (germline): Likely pathogenic. Review status: criteria provided, multiple submitters, no conflicts (2 of 4 stars). 2 submissions from 2 submitters: Likely pathogenic (2). Last evaluated 2025-04-08.

Conditions:
X-linked Alport syndrome (ATS1). Also called: NEPHROPATHY AND DEAFNESS, X-LINKED; COL4A5-Related Nephropathy. Identifiers: Orphanet 63, Orphanet 88917, MedGen C4746986, MONDO:0010520, OMIM 301050.

Submissions (2):

Institute of Medical Genetics and Applied Genomics, University Hospital Tübingen
Classification: Likely pathogenic for X-linked Alport syndrome. Last evaluated: 2025-04-08. Review status: criteria provided, single submitter. Criteria: ACMG Guidelines, 2015. Collection method: clinical testing. Allele origin: germline. Inheritance: X-linked dominant inheritance. Affected: yes.

3billion
Classification: Likely pathogenic for X-linked Alport syndrome. Last evaluated: 2022-09-01. Review status: criteria provided, single submitter. Criteria: ACMG Guidelines, 2015. Collection method: clinical testing. Allele origin: germline. Affected: yes. Observed: 1 hemizygote.
Comment: The variant is not observed in the gnomAD v2.1.1 dataset. It is located in a mutational hot spot and/or well-established functional domain in which established pathogenic variants have been reported. Missense changes are a common disease-causing mechanism. In silico tool predictions suggest damaging effect of the variant on gene or gene product (REVEL: 0.97; 3Cnet: 0.93). Different missense changes at the same codon (p.Gly171Arg, p.Gly171Ser) have been reported as pathogenic/likely pathogenic with strong evidence (ClinVar ID: VCV000447213, VCV001470047). Therefore, this variant is classified as Likely pathogenic according to the recommendation of ACMG/AMP guideline.

NM_033380.3(COL4A5):c.511G>T (p.Gly171Cys)

Gene: COL4A5 (collagen type IV alpha 5 chain; plus strand). Cytogenetic location: Xq22.3.
Variant type: single nucleotide variant.
Coding change: c.511G>T on transcript NM_033380.3 (MANE Select); coding-DNA position 511, G replaced by T.
Protein change: p.Gly171Cys; replaces glycine 171 with cysteine.
Molecular consequence: missense variant.
Genome position (GRCh38, 1-based): chrX:108,573,619, G>T. VCF-style: chrX-108573619-G-T. GRCh37 (hg19) VCF-style: chrX-107816849-G-T.
Other names: c.511G>T, p.Gly171Cys (NM_000495.5); short protein forms G171C.
Identifiers: ClinVar variation 1705311 (VCV001705311.2), dbSNP rs1556404027, ClinGen allele CA413920949.